The following is an entry in ClinVar:

ClinVar aggregate classification (germline): Pathogenic. Review status: reviewed by expert panel (3 of 4 stars). 2 submissions from 2 submitters: Pathogenic (1). 1 of the submissions does not count toward it. Last evaluated 2017-12-15.

Conditions:
Breast-ovarian cancer, familial, susceptibility to, 1 (BROVCA1). Also called: OVARIAN CANCER, SUSCEPTIBILITY TO; BRCA1 Hereditary Breast and Ovarian Cancer. Identifiers: Orphanet 145, MedGen C2676676, MONDO:0011450, OMIM 604370. Disease mechanism: loss of function.
Familial cancer of breast. Also called: Hereditary breast cancer; hereditary breast carcinoma; BREAST CANCER, FAMILIAL. Identifiers: Orphanet 227535, MedGen C0346153, MONDO:0016419, OMIM 114480. Disease mechanism: loss of function.

Submissions (2):

Evidence-based Network for the Interpretation of Germline Mutant Alleles (ENIGMA)
Classification: Pathogenic for Breast-ovarian cancer, familial, susceptibility to, 1. Last evaluated: 2017-12-15. Review status: reviewed by expert panel. Criteria: ENIGMA BRCA1/2 Classification Criteria (2017-06-29). Collection method: curation. Allele origin: germline. Study: ENIGMA.
Comment: Variant allele predicted to encode a truncated non-functional protein.

ClinVar Staff, National Center for Biotechnology Information (NCBI)
No classification provided. Condition: Familial cancer of breast. Review status: no classification provided. Collection method: literature only. Allele origin: germline. Affected: yes. Not counted in ClinVar's aggregate classification.

Literature cited by the submitters: PubMed 12815604 (cited by ClinVar Staff, National Center for Biotechnology Information (NCBI)).

NM_007294.4(BRCA1):c.2671del (p.Ser891fs)

Gene: BRCA1 (BRCA1 DNA repair associated; minus strand). Cytogenetic location: 17q21.31.
Variant type: Deletion.
Coding change: c.2671del on transcript NM_007294.4 (MANE Select); coding-DNA position 2671, one base deleted (T; older notation c.2671delT).
Protein change: p.Ser891fs; shifts the reading frame from serine 891.
Molecular consequence: frameshift variant. On other transcripts: intron variant (137).
Genome position (GRCh38, 1-based): chr17:43,092,860, A deleted on the plus strand (T on the coding strand, the reverse complement: BRCA1 is on the minus strand). VCF-style (leftmost placement, unchanged base first): chr17-43092859-GA-G. GRCh37 (hg19) VCF-style: chr17-41244876-GA-G.
Other names: c.2407del, p.Ser803fs (NM_001407925.1, NM_001407926.1, NM_001407927.1 and 9 more transcripts); c.2404del, p.Ser802fs (NM_001407930.1, NM_001407931.1, NM_001407932.1 and 2 more transcripts); c.2548del, p.Ser850fs (NM_001407937.1, NM_001407938.1, NM_001407939.1 and 19 more transcripts); c.2545del, p.Ser849fs (NM_001407940.1, NM_001407941.1, NM_001407649.1 and 11 more transcripts); c.2530del, p.Ser844fs (NM_001407942.1, NM_001407944.1, NM_001407945.1 and 29 more transcripts); c.2527del, p.Ser843fs (NM_001407943.1, NM_001407964.1, NM_001407740.1 and 20 more transcripts); c.2338del, p.Ser780fs (NM_001407946.1, NM_001407947.1, NM_001407948.1 and 6 more transcripts); c.2335del, p.Ser779fs (NM_001407954.1, NM_001407955.1, NM_001407956.1 and 1 more transcripts); and 41 more; short protein forms S844fs, S891fs, S763fs, S779fs, S821fs, S890fs, S595fs, S764fs.
Identifiers: ClinVar variation 54637 (VCV000054637.3), dbSNP rs397508993, ClinGen allele CA001750.